The following is an entry in ClinVar:

ClinVar aggregate classification (germline): Conflicting classifications of pathogenicity. Review status: criteria provided, conflicting classifications (1 of 4 stars). 7 submissions from 7 submitters: Uncertain significance (5); Likely benign (1). 1 of the submissions does not count toward it. Last evaluated 2025-06-20.

Conditions:
Cardiac arrhythmia. Also called: Arrhythmia; Cardiac rhythm disease. Identifiers: MedGen C0003811, MONDO:0007263, HP:0011675.
Cardiovascular phenotype. Identifiers: MedGen CN230736.
Familial long QT syndrome (RWS). Also called: Congenital long QT syndrome; Romano-Ward syndrome; VENTRICULAR FIBRILLATION WITH PROLONGED QT INTERVAL. Identifiers: Orphanet 768, MedGen C1141890, MONDO:0019171.
Long QT syndrome (LQTS). Identifiers: MedGen C0023976, MeSH D008133, MONDO:0002442. Disease mechanism: loss of function. Inheritance: Various modes of inheritance.

Allele frequency attached by ClinVar (database versions not stated): ExAC 0.00005; gnomAD exomes 0.00002 and 0.00003; TOPMed 0.00003; gnomAD 0.00004.
gnomAD v4.1: 30 of 1,558,350 alleles (0.0019%); highest among the groups gnomAD compares: African/African-American, 0.0041%; no homozygotes.

Submissions (7):

Ambry Genetics
Classification: Likely benign for Cardiovascular phenotype. Last evaluated: 2025-06-20. Review status: criteria provided, single submitter. Criteria: Ambry Variant Classification Scheme 2023. Collection method: clinical testing. Allele origin: germline.

All of Us Research Program, National Institutes of Health
Classification: Uncertain significance for Long QT syndrome. Last evaluated: 2024-02-05. Review status: criteria provided, single submitter. Criteria: ACMG Guidelines, 2015. Collection method: clinical testing. Allele origin: germline. Inheritance: Autosomal dominant inheritance. Observed: 5 variant alleles, 5 heterozygotes.
Comment: This missense variant replaces alanine with valine at codon 1116 of the KCNH2 protein. Computational prediction tool is inconclusive regarding the impact of this variant on protein structure and function (internally defined REVEL score threshold 0.5 < inconclusive < 0.7, PMID: 27666373). This variant is found within a highly conserved C-terminus region (a.a. 843-1159). Rare non-truncating variants in this region have been shown to be significantly overrepresented in individuals with long QT syndrome (PMID: 32893267). This variant has been reported in three individuals affected with long QT syndrome (PMID: 16116052, 32893267), including one who was compound heterozygous with a common polymorphism p.Lys897Thr (PMID:16116052). Relatives who carried this variant p.Ala1116Val alone were asymptomatic. This variant has been reported in an individual affected with sudden infant death (PMID: 29544605). An experimental study has shown that these two variants, when coexpressed in mammalian cells, resulted in reduced current amplitude, compared with coexpression of either allele with the wild type protein (PMID: 16116052). A functional study expressing only the p.Ala1116V variant did not show altered electrophysiological parameters when compared to WT (PMID: 19673885). This variant has been identified in 6/194268 chromosomes in the general population by the Genome Aggregation Database (gnomAD). Available evidence is insufficient to determine the role of this variant in disease conclusively. Therefore, this variant is classified as a Variant of Uncertain Significance.

This study involves interpretation of variants in research participants for the purpose of population health screening. Participant phenotype was not available at the time of variant classification. Additional details can be found in publication PMID: 35346344, PMCID: PMC8962531

Labcorp Genetics (formerly Invitae), Labcorp
Classification: Uncertain significance for Long QT syndrome. Last evaluated: 2024-01-16. Review status: criteria provided, single submitter. Criteria: Invitae Variant Classification Sherloc (09022015). Collection method: clinical testing. Allele origin: germline.
Comment: This sequence change replaces alanine, which is neutral and non-polar, with valine, which is neutral and non-polar, at codon 1116 of the KCNH2 protein (p.Ala1116Val). The frequency data for this variant in the population databases is considered unreliable, as metrics indicate poor data quality at this position in the gnomAD database. This missense change has been observed in individual(s) with clinical features of KCNH2-related conditions (PMID: 16116052, 23158531, 26220970, 29544605). ClinVar contains an entry for this variant (Variation ID: 67491). Algorithms developed to predict the effect of missense changes on protein structure and function output the following: SIFT: "Not Available"; PolyPhen-2: "Benign"; Align-GVGD: "Not Available". The valine amino acid residue is found in multiple mammalian species, which suggests that this missense change does not adversely affect protein function. Experimental studies have shown that this missense change affects KCNH2 function (PMID: 16116052, 23303164). In summary, the available evidence is currently insufficient to determine the role of this variant in disease. Therefore, it has been classified as a Variant of Uncertain Significance.

Color Diagnostics, LLC DBA Color Health
Classification: Uncertain significance for Cardiac arrhythmia. Last evaluated: 2023-11-06. Review status: criteria provided, single submitter. Criteria: ACMG Guidelines, 2015. Collection method: clinical testing. Allele origin: germline.
Comment: This missense variant replaces alanine with valine at codon 1116 of the KCNH2 protein. Computational prediction tool is inconclusive regarding the impact of this variant on protein structure and function (internally defined REVEL score threshold 0.5 < inconclusive < 0.7, PMID: 27666373). This variant is found within a highly conserved C-terminus region (a.a. 843-1159). Rare non-truncating variants in this region have been shown to be significantly overrepresented in individuals with long QT syndrome (PMID: 32893267). This variant has been reported in three individuals affected with long QT syndrome (PMID: 16116052, 32893267), including one who was compound heterozygous with a common polymorphism p.Lys897Thr (PMID:16116052). Relatives who carried this variant p.Ala1116Val alone were asymptomatic. This variant has been reported in an individual affected with sudden infant death (PMID: 29544605). An experimental study has shown that these two variants, when coexpressed in mammalian cells, resulted in reduced current amplitude, compared with coexpression of either allele with the wild type protein (PMID: 16116052). A functional study expressing only the p.Ala1116V variant did not show altered electrophysiological parameters when compared to WT (PMID: 19673885). This variant has been identified in 6/194268 chromosomes in the general population by the Genome Aggregation Database (gnomAD). Available evidence is insufficient to determine the role of this variant in disease conclusively. Therefore, this variant is classified as a Variant of Uncertain Significance.

GeneDx
Classification: Uncertain significance. Last evaluated: 2023-08-08. Review status: criteria provided, single submitter. Criteria: GeneDx Variant Classification Process June 2021. Collection method: clinical testing. Allele origin: germline. Affected: yes.
Comment: Observed with p.(K897T) in trans in one severe, symptomatic LQTS patient, whereas three relatives with p.(A1116V) alone were asymptomatic but exhibited transient mild QTc prolongation (Crotti et al., 2005); of note, p.(K897T) is classified as benign at GeneDx and in ClinVar (ClinVar ID#67427); Identified in one patient with sudden infant death syndrome (SIDS) and one patient with SCN5A-negative Brugada syndrome (Tester et al., 2018; Di Resta et al., 2015); Crotti et al. (2005) showed that co-expressing p.(A1116V) and p.(K897T) affected current density, however, additional functional studies looking at p.(A1116V) showed similar electrophysiological properties as wild type (Crotti et al., 2005; Jou et al., 2013; Mannikko et al., 2010); In silico analysis supports that this missense variant does not alter protein structure/function; This variant is associated with the following publications: (PMID: 23303164, 19673885, 23158531, 21685056, 18808722, 23608144, 18284507, 22338672, 16116052, 25418379, 29544605, 26220970)

Blueprint Genetics
Classification: Uncertain significance. Last evaluated: 2021-05-25. Review status: criteria provided, single submitter. Criteria: ACMG Guidelines, 2015. Collection method: clinical testing. Allele origin: germline.

Cardiovascular Biomedical Research Unit, Royal Brompton & Harefield NHS Foundation Trust
No classification provided. Condition: Familial long QT syndrome. Review status: no classification provided. Collection method: literature only. Allele origin: germline. Not counted in ClinVar's aggregate classification.
Comment: This variant has been reported as associated with Long QT syndrome in the following publications (PMID:16116052). This is a literature report, and does not necessarily reflect the clinical interpretation of the Imperial College / Royal Brompton Cardiovascular Genetics laboratory.

Literature cited by the submitters: PubMed 16116052 (cited by 5 submitters); PubMed 19673885 (cited by 3 submitters); PubMed 23158531 (cited by Ambry Genetics and Labcorp Genetics (formerly Invitae), Labcorp); PubMed 23303164 (cited by Ambry Genetics and Labcorp Genetics (formerly Invitae), Labcorp); PubMed 26220970 (cited by Ambry Genetics and Labcorp Genetics (formerly Invitae), Labcorp); PubMed 29544605 (cited by 4 submitters); PubMed 32893267 (cited by All of Us Research Program, National Institutes of Health and Color Diagnostics, LLC DBA Color Health); PubMed 22581653 (cited by Cardiovascular Biomedical Research Unit, Royal Brompton & Harefield NHS Foundation Trust).

NM_000238.4(KCNH2):c.3347C>T (p.Ala1116Val)

Gene: KCNH2 (potassium voltage-gated channel subfamily H member 2; minus strand). Cytogenetic location: 7q36.1.
Variant type: single nucleotide variant.
Coding change: c.3347C>T on transcript NM_000238.4 (MANE Select); coding-DNA position 3347, C replaced by T.
Protein change: p.Ala1116Val; replaces alanine 1116 with valine.
Molecular consequence: missense variant.
Genome position (GRCh38, 1-based): chr7:150,945,498, G>A on the plus strand (C>T on the coding strand, the complement: KCNH2 is on the minus strand). VCF-style: chr7-150945498-G-A. GRCh37 (hg19) VCF-style: chr7-150642586-G-A.
Other names: c.3347C>T (LRG_288t1); c.2327C>T, p.Ala776Val (NM_172057.3); short protein forms A1116V, A776V.
Identifiers: ClinVar variation 67491 (VCV000067491.19), dbSNP rs199473032, ClinGen allele CA008234.